The following is an entry in ClinVar:

NM_000179.3(MSH6):c.515T>A (p.Ile172Lys)

Gene: MSH6 (mutS homolog 6; plus strand). Cytogenetic location: 2p16.3.
Variant type: single nucleotide variant.
Coding change: c.515T>A on transcript NM_000179.3 (MANE Select); coding-DNA position 515, T replaced by A.
Protein change: p.Ile172Lys; replaces isoleucine 172 with lysine.
Molecular consequence: missense variant. On other transcripts: 5 prime UTR variant (5), non-coding transcript variant (5), intron variant (8).
Genome position (GRCh38, 1-based): chr2:47,795,951, T>A. VCF-style: chr2-47795951-T-A. GRCh37 (hg19) VCF-style: chr2-48023090-T-A.
Other names: c.515T>A, p.Ile172Lys (NM_001406803.1, NM_001406808.1, NM_001406809.1 and 5 more transcripts); c.437T>A, p.Ile146Lys (NM_001406804.1); c.218T>A, p.Ile73Lys (NM_001406805.1, NM_001406797.1, NM_001406801.1 and 10 more transcripts); c.-11T>A (NM_001406806.1, NM_001406807.1, NM_001406799.1); c.521T>A, p.Ile174Lys (NM_001406813.1); c.-480T>A (NM_001406814.1); c.-388T>A (NM_001281494.2); c.611T>A, p.Ile204Lys (NM_001406795.1, NM_001406802.1); and 3 more; short protein forms I116K, I146K, I174K, I204K, I172K, I73K.
Identifiers: ClinVar variation 2711304 (VCV002711304.3), dbSNP rs587779942, ClinGen allele CA346738675.

ClinVar aggregate classification (germline): Uncertain significance (1 of 4 stars; one submission).

Conditions:
Hereditary nonpolyposis colorectal neoplasms. Identifiers: MedGen C0009405, MeSH D003123.

Submission:

Labcorp Genetics (formerly Invitae), Labcorp
Classification: Uncertain significance for Hereditary nonpolyposis colorectal neoplasms. Last evaluated: 2024-01-25. Review status: criteria provided, single submitter. Criteria: Invitae Variant Classification Sherloc (09022015). Collection method: clinical testing. Allele origin: germline.
Comment: This sequence change replaces isoleucine, which is neutral and non-polar, with lysine, which is basic and polar, at codon 172 of the MSH6 protein (p.Ile172Lys). This variant is not present in population databases (gnomAD no frequency). This variant has not been reported in the literature in individuals affected with MSH6-related conditions. Advanced modeling of protein sequence and biophysical properties (such as structural, functional, and spatial information, amino acid conservation, physicochemical variation, residue mobility, and thermodynamic stability) performed at Invitae indicates that this missense variant is not expected to disrupt MSH6 protein function with a negative predictive value of 95%. In summary, the available evidence is currently insufficient to determine the role of this variant in disease. Therefore, it has been classified as a Variant of Uncertain Significance.